The following is an entry in ClinVar:

ClinVar aggregate classification (germline): Uncertain significance (1 of 4 stars; one submission).

Allele frequency attached by ClinVar (database versions not stated): gnomAD 0.00001.
gnomAD v4.1: 7 of 1,612,040 alleles (0.00043%); highest among the groups gnomAD compares: South Asian, 0.0044%; no homozygotes.

Submission:

Labcorp Genetics (formerly Invitae), Labcorp
Classification: Uncertain significance. Last evaluated: 2023-12-17. Review status: criteria provided, single submitter. Criteria: Invitae Variant Classification Sherloc (09022015). Collection method: clinical testing. Allele origin: germline.
Comment: This sequence change replaces glycine, which is neutral and non-polar, with serine, which is neutral and polar, at codon 379 of the RIN2 protein (p.Gly379Ser). This variant is not present in population databases (gnomAD no frequency). This variant has not been reported in the literature in individuals affected with RIN2-related conditions. Algorithms developed to predict the effect of missense changes on protein structure and function output the following: SIFT: "Not Available"; PolyPhen-2: "Not Available"; Align-GVGD: "Not Available". The serine amino acid residue is found in multiple mammalian species, which suggests that this missense change does not adversely affect protein function. In summary, the available evidence is currently insufficient to determine the role of this variant in disease. Therefore, it has been classified as a Variant of Uncertain Significance.

NM_018993.4(RIN2):c.1135G>A (p.Gly379Ser)

Gene: RIN2 (Ras and Rab interactor 2; plus strand). Cytogenetic location: 20p11.23.
Variant type: single nucleotide variant.
Coding change: c.1135G>A on transcript NM_018993.4 (MANE Select); coding-DNA position 1135, G replaced by A.
Protein change: p.Gly379Ser; replaces glycine 379 with serine.
Molecular consequence: missense variant.
Genome position (GRCh38, 1-based): chr20:19,975,160, G>A. VCF-style: chr20-19975160-G-A. GRCh37 (hg19) VCF-style: chr20-19955804-G-A.
Other names: c.1282G>A, p.Gly428Ser (NM_001242581.2); c.517G>A, p.Gly173Ser (NM_001378238.1); short protein forms G428S, G173S, G379S.
Identifiers: ClinVar variation 2988681 (VCV002988681.1), dbSNP rs1443478057, ClinGen allele CA408361961.
Genomic context (GRCh38, chr20:19,975,160, plus strand): 5'-CCCCGGCTGAAGAAGCAGGCTTCTTTTCTGGAAGCAGAGGGCGGTGCAAAGACCTTGAGC[G>A]GCGGCCGGCCGGGCGCAGGCCCGGAGCTGGAGCTGGGCACAGCTGGCAGCCCAGGTGGGG-3'
Protein context (NP_061866.1, residues 369-389): EAEGGAKTLS[Gly379Ser]GRPGAGPELE